The following is an entry in ClinVar:

ClinVar aggregate classification (germline): Uncertain significance (1 of 4 stars; one submission).

Submission:

Labcorp Genetics (formerly Invitae), Labcorp
Classification: Uncertain significance. Last evaluated: 2022-06-15. Review status: criteria provided, single submitter. Criteria: Invitae Variant Classification Sherloc (09022015). Collection method: clinical testing. Allele origin: germline.
Comment: In summary, the available evidence is currently insufficient to determine the role of this variant in disease. Therefore, it has been classified as a Variant of Uncertain Significance. Algorithms developed to predict the effect of missense changes on protein structure and function are either unavailable or do not agree on the potential impact of this missense change (SIFT: "Deleterious"; PolyPhen-2: "Possibly Damaging"; Align-GVGD: "Class C0"). This sequence change replaces histidine, which is basic and polar, with glutamine, which is neutral and polar, at codon 26 of the C6 protein (p.His26Gln). This variant is not present in population databases (gnomAD no frequency). This variant has not been reported in the literature in individuals affected with C6-related conditions.

NM_000065.5(C6):c.78C>A (p.His26Gln)

Gene: C6 (complement C6; minus strand). Cytogenetic location: 5p13.1.
Variant type: single nucleotide variant.
Coding change: c.78C>A on transcript NM_000065.5 (MANE Select); coding-DNA position 78, C replaced by A.
Protein change: p.His26Gln; replaces histidine 26 with glutamine.
Molecular consequence: missense variant.
Genome position (GRCh38, 1-based): chr5:41,203,153, G>T on the plus strand (C>A on the coding strand, the complement: C6 is on the minus strand). VCF-style: chr5-41203153-G-T. GRCh37 (hg19) VCF-style: chr5-41203255-G-T.
Other names: c.78C>A, p.His26Gln (NM_001115131.4); short protein forms H26Q.
Identifiers: ClinVar variation 1938733 (VCV001938733.5), dbSNP rs778131381, ClinGen allele CA359605611.